The following is an entry in ClinVar:

ClinVar aggregate classification (germline): Uncertain significance (1 of 4 stars; one submission).

Conditions:
Multiple endocrine neoplasia, type 1 (MEN1). Also called: MEA I; MEN I; WERMER SYNDROME; Endocrine adenomatosis multiple; MEN 1. Identifiers: Orphanet 652, MedGen C0025267, MeSH D018761, MONDO:0007540, OMIM 131100.

Submission:

Labcorp Genetics (formerly Invitae), Labcorp
Classification: Uncertain significance for Multiple endocrine neoplasia, type 1. Last evaluated: 2023-08-30. Review status: criteria provided, single submitter. Criteria: Invitae Variant Classification Sherloc (09022015). Collection method: clinical testing. Allele origin: germline.
Comment: In summary, the available evidence is currently insufficient to determine the role of this variant in disease. Therefore, it has been classified as a Variant of Uncertain Significance. Advanced modeling of protein sequence and biophysical properties (such as structural, functional, and spatial information, amino acid conservation, physicochemical variation, residue mobility, and thermodynamic stability) performed at Invitae indicates that this missense variant is expected to disrupt MEN1 protein function. This variant has not been reported in the literature in individuals affected with MEN1-related conditions. This variant is not present in population databases (gnomAD no frequency). This sequence change replaces tyrosine, which is neutral and polar, with histidine, which is basic and polar, at codon 598 of the MEN1 protein (p.Tyr598His).

NM_001370259.2(MEN1):c.1792T>C (p.Tyr598His)

Gene: MEN1 (menin 1; minus strand). Cytogenetic location: 11q13.1.
Variant type: single nucleotide variant.
Coding change: c.1792T>C on transcript NM_001370259.2 (MANE Select); coding-DNA position 1792, T replaced by C.
Protein change: p.Tyr598His; replaces tyrosine 598 with histidine.
Molecular consequence: missense variant. On other transcripts: non-coding transcript variant (4).
Genome position (GRCh38, 1-based): chr11:64,804,375, A>G on the plus strand (T>C on the coding strand, the complement: MEN1 is on the minus strand). VCF-style: chr11-64804375-A-G. GRCh37 (hg19) VCF-style: chr11-64571847-A-G.
Other names: c.1807T>C, p.Tyr603His (NM_000244.4, NM_001407145.1, NM_130800.3 and 4 more transcripts); c.1918T>C, p.Tyr640His (NM_001370251.2, NM_001407142.1, NM_001407143.1 and 1 more transcripts); c.1792T>C, p.Tyr598His (NM_001370260.2, NM_001370261.2, NM_001407146.1 and 2 more transcripts); c.1687T>C, p.Tyr563His (NM_001370262.2, NM_001370263.2, NM_001407148.1 and 1 more transcripts); c.1933T>C, p.Tyr645His (NM_001407150.1); c.1813T>C, p.Tyr605His (NM_001407151.1); c.1627T>C, p.Tyr543His (NM_001407152.1); short protein forms Y645H, Y543H, Y563H, Y598H, Y640H, Y603H, Y605H.
Identifiers: ClinVar variation 2756461 (VCV002756461.3), dbSNP rs2497099817, ClinGen allele CA381177249.